The following is an entry in ClinVar:

NM_006158.5(NEFL):c.1408C>T (p.Pro470Ser)

Gene: NEFL (neurofilament light chain; minus strand). Cytogenetic location: 8p21.2.
Variant type: single nucleotide variant.
Coding change: c.1408C>T on transcript NM_006158.5 (MANE Select); coding-DNA position 1408, C replaced by T.
Protein change: p.Pro470Ser; replaces proline 470 with serine.
Molecular consequence: missense variant.
Genome position (GRCh38, 1-based): chr8:24,953,557, G>A on the plus strand (C>T on the coding strand, the complement: NEFL is on the minus strand). VCF-style: chr8-24953557-G-A. GRCh37 (hg19) VCF-style: chr8-24811071-G-A.
Other names: short protein forms P470S.
Identifiers: ClinVar variation 911788 (VCV000911788.10), dbSNP rs758305388, ClinGen allele CA4681281.

ClinVar aggregate classification (germline): Conflicting classifications of pathogenicity. Review status: criteria provided, conflicting classifications (1 of 4 stars). 3 submissions from 3 submitters: Uncertain significance (2); Likely benign (1). Last evaluated 2024-07-15.

Conditions:
Charcot-Marie-Tooth disease type 2E (CMT2E). Also called: CHARCOT-MARIE-TOOTH DISEASE, AXONAL, TYPE 2E; CHARCOT-MARIE-TOOTH NEUROPATHY, TYPE 2E. Identifiers: Orphanet 99939, MedGen C1843225, MONDO:0011894, OMIM 607684.
Charcot-Marie-Tooth disease type 1F. Also called: CHARCOT-MARIE-TOOTH NEUROPATHY, TYPE 1F; Charcot-Marie-Tooth disease, demyelinating, type 1f. Identifiers: Orphanet 101085, MedGen C1843164, MONDO:0011902, OMIM 607734.
Inborn genetic diseases. Identifiers: MedGen C0950123, MeSH D030342.

Allele frequency attached by ClinVar (database versions not stated): gnomAD 0.00002 and 0.00003; TOPMed 0.00002; ExAC 0.00003; gnomAD exomes 0.00003 and 0.00006.
gnomAD v4.1: 95 of 1,613,624 alleles (0.0059%); highest among the groups gnomAD compares: Non-Finnish European, 0.0078%; no homozygotes.

Submissions (3):

Labcorp Genetics (formerly Invitae), Labcorp
Classification: Uncertain significance for Charcot-Marie-Tooth disease type 2E. Last evaluated: 2024-07-15. Review status: criteria provided, single submitter. Criteria: Invitae Variant Classification Sherloc (09022015). Collection method: clinical testing. Allele origin: germline.
Comment: This sequence change replaces proline, which is neutral and non-polar, with serine, which is neutral and polar, at codon 470 of the NEFL protein (p.Pro470Ser). This variant is present in population databases (rs758305388, gnomAD 0.03%). This variant has not been reported in the literature in individuals affected with NEFL-related conditions. ClinVar contains an entry for this variant (Variation ID: 911788). Advanced modeling of protein sequence and biophysical properties (such as structural, functional, and spatial information, amino acid conservation, physicochemical variation, residue mobility, and thermodynamic stability) has been performed at Invitae for this missense variant, however the output from this modeling did not meet the statistical confidence thresholds required to predict the impact of this variant on NEFL protein function. In summary, the available evidence is currently insufficient to determine the role of this variant in disease. Therefore, it has been classified as a Variant of Uncertain Significance.

Ambry Genetics
Classification: Uncertain significance for Inborn genetic diseases. Last evaluated: 2021-07-28. Review status: criteria provided, single submitter. Criteria: Ambry Variant Classification Scheme 2023. Collection method: clinical testing. Allele origin: germline.
Comment: The p.P470S variant (also known as c.1408C>T), located in coding exon 3 of the NEFL gene, results from a C to T substitution at nucleotide position 1408. The proline at codon 470 is replaced by serine, an amino acid with similar properties. This amino acid position is conserved. In addition, this alteration is predicted to be tolerated by in silico analysis. Since supporting evidence is limited at this time, the clinical significance of this alteration remains unclear.

Illumina Laboratory Services, Illumina
Classification: Likely benign for Charcot-Marie-Tooth disease type 1F. Last evaluated: 2018-01-12. Review status: criteria provided, single submitter. Criteria: ICSL Variant Classification Criteria 13 December 2019. Collection method: clinical testing. Allele origin: germline.
Comment: This variant was observed in the ICSL laboratory as part of a predisposition screen in an ostensibly healthy population. It had not been previously curated by ICSL or reported in the Human Gene Mutation Database (HGMD: prior to June 1st, 2018), and was therefore a candidate for classification through an automated scoring system. Utilizing variant allele frequency, disease prevalence and penetrance estimates, and inheritance mode, an automated score was calculated to assess if this variant is too frequent to cause the disease. Based on the score and internal cut-off values, a variant classified as likely benign is not then subjected to further curation. The score for this variant resulted in a classification of likely benign for this disease.